The following is an entry in ClinVar:

NM_001371928.1(AHDC1):c.2314A>G (p.Lys772Glu)

Gene: AHDC1 (AT-hook DNA binding motif containing 1; minus strand). Cytogenetic location: 1p36.11.
Variant type: single nucleotide variant.
Coding change: c.2314A>G on transcript NM_001371928.1 (MANE Select); coding-DNA position 2314, A replaced by G.
Protein change: p.Lys772Glu; replaces lysine 772 with glutamic acid.
Molecular consequence: missense variant.
Genome position (GRCh38, 1-based): chr1:27,549,802, T>C on the plus strand (A>G on the coding strand, the complement: AHDC1 is on the minus strand). VCF-style: chr1-27549802-T-C. GRCh37 (hg19) VCF-style: chr1-27876313-T-C.
Other names: c.2314A>G, p.Lys772Glu (NM_001029882.3); short protein forms K772E.
Identifiers: ClinVar variation 2048704 (VCV002048704.4), dbSNP rs768152983, ClinGen allele CA715789.

ClinVar aggregate classification (germline): Uncertain significance (1 of 4 stars; one submission).

Allele frequency attached by ClinVar (database versions not stated): gnomAD exomes below 0.00001; ExAC 0.00001; gnomAD 0.00001; TOPMed 0.00001.
gnomAD v4.1: 6 of 1,613,382 alleles (0.00037%); highest among the groups gnomAD compares: Middle Eastern, 0.033%; no homozygotes.

Submission:

Labcorp Genetics (formerly Invitae), Labcorp
Classification: Uncertain significance. Last evaluated: 2022-03-07. Review status: criteria provided, single submitter. Criteria: Invitae Variant Classification Sherloc (09022015). Collection method: clinical testing. Allele origin: germline.
Comment: In summary, the available evidence is currently insufficient to determine the role of this variant in disease. Therefore, it has been classified as a Variant of Uncertain Significance. Algorithms developed to predict the effect of missense changes on protein structure and function are either unavailable or do not agree on the potential impact of this missense change (SIFT: "Deleterious"; PolyPhen-2: "Possibly Damaging"; Align-GVGD: "Class C0"). This variant has not been reported in the literature in individuals affected with AHDC1-related conditions. This variant is present in population databases (rs768152983, gnomAD 0.0009%). This sequence change replaces lysine, which is basic and polar, with glutamic acid, which is acidic and polar, at codon 772 of the AHDC1 protein (p.Lys772Glu).